The following is an entry in ClinVar:

NM_001291303.3(FAT4):c.2608G>A (p.Gly870Arg)

Gene: FAT4 (FAT atypical cadherin 4; plus strand). Cytogenetic location: 4q28.1.
Variant type: single nucleotide variant.
Coding change: c.2608G>A on transcript NM_001291303.3 (MANE Select); coding-DNA position 2608, G replaced by A.
Protein change: p.Gly870Arg; replaces glycine 870 with arginine.
Molecular consequence: missense variant.
Genome position (GRCh38, 1-based): chr4:125,319,019, G>A. VCF-style: chr4-125319019-G-A. GRCh37 (hg19) VCF-style: chr4-126240174-G-A.
Other names: c.2608G>A, p.Gly870Arg (NM_001291285.3, NM_024582.6); short protein forms G870R.
Identifiers: ClinVar variation 1393245 (VCV001393245.8), dbSNP rs2125941989, ClinGen allele CA358120699.

ClinVar aggregate classification (germline): Uncertain significance (1 of 4 stars; one submission).

Submission:

Labcorp Genetics (formerly Invitae), Labcorp
Classification: Uncertain significance. Last evaluated: 2021-05-05. Review status: criteria provided, single submitter. Criteria: Invitae Variant Classification Sherloc (09022015). Collection method: clinical testing. Allele origin: germline.
Comment: In summary, the available evidence is currently insufficient to determine the role of this variant in disease. Therefore, it has been classified as a Variant of Uncertain Significance. Advanced modeling of protein sequence and biophysical properties (such as structural, functional, and spatial information, amino acid conservation, physicochemical variation, residue mobility, and thermodynamic stability) performed at Invitae indicates that this missense variant is not expected to disrupt FAT4 protein function. This variant has not been reported in the literature in individuals with FAT4-related conditions. This variant is not present in population databases (ExAC no frequency). This sequence change replaces glycine with arginine at codon 870 of the FAT4 protein (p.Gly870Arg). The glycine residue is highly conserved and there is a moderate physicochemical difference between glycine and arginine.